The following is an entry in ClinVar:

ClinVar aggregate classification (germline): Uncertain significance (1 of 4 stars; one submission).

Submission:

CeGaT Center for Human Genetics Tuebingen
Classification: Uncertain significance. Last evaluated: 2026-07-01. Review status: criteria provided, single submitter. Criteria: CeGaT Center For Human Genetics Tuebingen Variant Classification Criteria Version 2. Collection method: clinical testing. Allele origin: germline. Affected: yes. Observed: 1 variant allele.
Comment: REV3L: PM2, PS2:Supporting

NM_001372078.1(REV3L):c.8450A>T (p.Lys2817Ile)

Gene: REV3L (REV3 like, DNA directed polymerase zeta catalytic subunit; minus strand). Cytogenetic location: 6q21.
Variant type: single nucleotide variant.
Coding change: c.8450A>T on transcript NM_001372078.1 (MANE Select); coding-DNA position 8450, A replaced by T.
Protein change: p.Lys2817Ile; replaces lysine 2817 with isoleucine.
Molecular consequence: missense variant.
Genome position (GRCh38, 1-based): chr6:111,315,283, T>A on the plus strand (A>T on the coding strand, the complement: REV3L is on the minus strand). VCF-style: chr6-111315283-T-A. GRCh37 (hg19) VCF-style: chr6-111636486-T-A.
Other names: c.8216A>T, p.Lys2739Ile (NM_001286431.2, NM_001286432.2); c.8450A>T, p.Lys2817Ile (NM_002912.5); short protein forms K2739I, K2817I.
Identifiers: ClinVar variation 5040248 (VCV005040248.1).